The following is an entry in ClinVar:

NM_030962.4(SBF2):c.5035C>T (p.Arg1679Cys)

Genes: SBF2-AS1 (SBF2 antisense RNA 1; plus strand), SBF2 (SET binding factor 2; minus strand), LOC105369149 (uncharacterized LOC105369149; plus strand). Cytogenetic location: 11p15.4.
Variant type: single nucleotide variant.
Coding change: c.5035C>T on transcript NM_030962.4 (MANE Select); coding-DNA position 5035, C replaced by T.
Protein change: p.Arg1679Cys; replaces arginine 1679 with cysteine.
Molecular consequence: missense variant.
Genome position (GRCh38, 1-based): chr11:9,787,636, G>A on the plus strand (C>T on the coding strand, the complement: SBF2 is on the minus strand). VCF-style: chr11-9787636-G-A. GRCh37 (hg19) VCF-style: chr11-9809183-G-A.
Other names: c.5131C>T, p.Arg1711Cys (NM_001386339.1); c.4906C>T, p.Arg1636Cys (NM_001386342.1); short protein forms R1679C, R1636C, R1711C.
Identifiers: ClinVar variation 71400 (VCV000071400.11), dbSNP rs79401259, ClinGen allele CA5880831.

ClinVar aggregate classification (germline): Uncertain significance. Review status: criteria provided, multiple submitters, no conflicts (2 of 4 stars). 3 submissions from 3 submitters: Uncertain significance (3). Last evaluated 2022-04-29.

Conditions:
Inborn genetic diseases. Identifiers: MedGen C0950123, MeSH D030342.
Charcot-Marie-Tooth disease type 4. Also called: Charcot-Marie-Tooth disease, type IV; Charcot-Marie-Tooth, Type 4. Identifiers: Orphanet 64749, MedGen C4082197, MONDO:0018995.
Charcot-Marie-Tooth disease type 4B2. Also called: CMT 4B2; Charcot-Marie-Tooth Neuropathy Type 4B2; CHARCOT-MARIE-TOOTH DISEASE, DEMYELINATING, TYPE 4B2; CHARCOT-MARIE-TOOTH DISEASE, WITH FOCALLY FOLDED MYELIN SHEATHS, AUTOSOMAL RECESSIVE, TYPE 4B2. Identifiers: Orphanet 99956, MedGen C1858278, MONDO:0011475, OMIM 604563.

Allele frequency attached by ClinVar (database versions not stated): gnomAD 0.00001 and 0.00006; TOPMed 0.00002; 1000 Genomes Project 30x 0.00031; 1000 Genomes Project 0.00040.
gnomAD v4.1: 217 of 1,613,712 alleles (0.013%); highest among the groups gnomAD compares: East Asian, 0.47%; 2 homozygotes.

Submissions (3):

Labcorp Genetics (formerly Invitae), Labcorp
Classification: Uncertain significance for Charcot-Marie-Tooth disease type 4. Last evaluated: 2022-04-29. Review status: criteria provided, single submitter. Criteria: Invitae Variant Classification Sherloc (09022015). Collection method: clinical testing. Allele origin: germline.
Comment: This sequence change replaces arginine, which is basic and polar, with cysteine, which is neutral and slightly polar, at codon 1679 of the SBF2 protein (p.Arg1679Cys). This variant is present in population databases (rs79401259, gnomAD 0.01%). This variant has not been reported in the literature in individuals affected with SBF2-related conditions. ClinVar contains an entry for this variant (Variation ID: 71400). Algorithms developed to predict the effect of missense changes on protein structure and function are either unavailable or do not agree on the potential impact of this missense change (SIFT: "Deleterious"; PolyPhen-2: "Benign"; Align-GVGD: "Class C0"). In summary, the available evidence is currently insufficient to determine the role of this variant in disease. Therefore, it has been classified as a Variant of Uncertain Significance.

Ambry Genetics
Classification: Uncertain significance for Inborn genetic diseases. Last evaluated: 2019-11-05. Review status: criteria provided, single submitter. Criteria: Ambry Variant Classification Scheme 2023. Collection method: clinical testing. Allele origin: germline.
Comment: The p.R1679C variant (also known as c.5035C>T), located in coding exon 36 of the SBF2 gene, results from a C to T substitution at nucleotide position 5035. The arginine at codon 1679 is replaced by cysteine, an amino acid with highly dissimilar properties. This amino acid position is poorly conserved in available vertebrate species. In addition, this alteration is predicted to be tolerated by in silico analysis. Since supporting evidence is limited at this time, the clinical significance of this alteration remains unclear.

Illumina Laboratory Services, Illumina
Classification: Uncertain significance for Charcot-Marie-Tooth disease type 4B2. Last evaluated: 2017-04-27. Review status: criteria provided, single submitter. Criteria: ICSL Variant Classification Criteria 13 December 2019. Collection method: clinical testing. Allele origin: germline.